The following is an entry in ClinVar:

ClinVar aggregate classification (germline): Uncertain significance. Review status: criteria provided, multiple submitters, no conflicts (2 of 4 stars). 2 submissions from 2 submitters: Uncertain significance (2). Last evaluated 2025-08-20.

Conditions:
Nance-Horan syndrome (NHS). Identifiers: Orphanet 627, MedGen C0796085, MONDO:0010545, OMIM 302350.
Inborn genetic diseases. Identifiers: MedGen C0950123, MeSH D030342.

Allele frequency attached by ClinVar (database versions not stated): TOPMed below 0.00001; ExAC 0.00001; gnomAD 0.00001; gnomAD exomes 0.00001.
gnomAD v4.1: 7 of 1,209,415 alleles (0.00058%); highest among the groups gnomAD compares: Admixed American, 0.015%; no homozygotes.

Submissions (2):

Labcorp Genetics (formerly Invitae), Labcorp
Classification: Uncertain significance for Nance-Horan syndrome. Last evaluated: 2025-08-20. Review status: criteria provided, single submitter. Criteria: Invitae Variant Classification Sherloc (09022015). Collection method: clinical testing. Allele origin: germline.
Comment: This sequence change replaces alanine, which is neutral and non-polar, with valine, which is neutral and non-polar, at codon 543 of the NHS protein (p.Ala543Val). This variant is not present in population databases (gnomAD no frequency). This variant has not been reported in the literature in individuals affected with NHS-related conditions. ClinVar contains an entry for this variant (Variation ID: 2231165). Invitae Evidence Modeling of protein sequence and biophysical properties (such as structural, functional, and spatial information, amino acid conservation, physicochemical variation, residue mobility, and thermodynamic stability) indicates that this missense variant is not expected to disrupt NHS protein function with a negative predictive value of 80%. In summary, the available evidence is currently insufficient to determine the role of this variant in disease. Therefore, it has been classified as a Variant of Uncertain Significance.

Ambry Genetics
Classification: Uncertain significance for Inborn genetic diseases. Last evaluated: 2021-12-15. Review status: criteria provided, single submitter. Criteria: Ambry Variant Classification Scheme 2023. Collection method: clinical testing. Allele origin: germline.

NM_001291867.2(NHS):c.1691C>T (p.Ala564Val)

Gene: NHS (NHS actin remodeling regulator; plus strand). Cytogenetic location: Xp22.13.
Variant type: single nucleotide variant.
Coding change: c.1691C>T on transcript NM_001291867.2 (MANE Select); coding-DNA position 1691, C replaced by T.
Protein change: p.Ala564Val; replaces alanine 564 with valine.
Molecular consequence: missense variant.
Genome position (GRCh38, 1-based): chrX:17,725,797, C>T. VCF-style: chrX-17725797-C-T. GRCh37 (hg19) VCF-style: chrX-17743917-C-T.
Other names: c.1160C>T, p.Ala387Val (NM_001136024.4); c.1097C>T, p.Ala366Val (NM_001291868.2); c.1628C>T, p.Ala543Val (NM_198270.4); short protein forms A543V, A366V, A387V, A564V.
Identifiers: ClinVar variation 2231165 (VCV002231165.5), dbSNP rs766918231, ClinGen allele CA10358647.